The following is an entry in ClinVar:

ClinVar aggregate classification (germline): Conflicting classifications of pathogenicity. Review status: criteria provided, conflicting classifications (1 of 4 stars). 4 submissions from 3 submitters: Uncertain significance (2); Likely benign (2). Last evaluated 2025-12-31.

Conditions:
Birt-Hogg-Dube syndrome 1 (BHD1). Also called: FIBROFOLLICULOMAS WITH TRICHODISCOMAS AND ACROCHORDONS. Identifiers: Orphanet 122, MedGen CN375946, MONDO:0800445, OMIM 135150.
Familial spontaneous pneumothorax (PSP). Identifiers: Orphanet 2903, MedGen C1868193, MONDO:0008259, OMIM 173600.
Birt-Hogg-Dube syndrome. Also called: Birt Hogg Dubé syndrome. Identifiers: Orphanet 122, MedGen C0346010, MONDO:0800444.

Allele frequency attached by ClinVar (database versions not stated): gnomAD exomes below 0.00001; TOPMed below 0.00001; ExAC 0.00001.
gnomAD v4.1: 1 of 1,614,198 alleles (0.000062%); highest among the groups gnomAD compares: Non-Finnish European, 0.000085%; no homozygotes.

Submissions (4):

Labcorp Genetics (formerly Invitae), Labcorp
Classification: Likely benign for Birt-Hogg-Dube syndrome. Last evaluated: 2025-12-31. Review status: criteria provided, single submitter. Criteria: Invitae Variant Classification Sherloc (09022015). Collection method: clinical testing. Allele origin: germline.

Myriad Genetics, Inc.
Classification: Likely benign for Birt-Hogg-Dube syndrome 1. Last evaluated: 2024-10-22. Review status: criteria provided, single submitter. Criteria: Myriad Autosomal Dominant, Autosomal Recessive and X-Linked Classification Criteria (2023). Collection method: clinical testing. Allele origin: unknown.
Comment: This variant is considered likely benign. This variant is intronic and is not expected to impact mRNA splicing.

Illumina Laboratory Services, Illumina
Classification: Uncertain significance for Birt-Hogg-Dube syndrome 1. Last evaluated: 2018-01-13. Review status: criteria provided, single submitter. Criteria: ICSL Variant Classification Criteria 13 December 2019. Collection method: clinical testing. Allele origin: germline.

Illumina Laboratory Services, Illumina
Classification: Uncertain significance for Familial spontaneous pneumothorax. Last evaluated: 2018-01-13. Review status: criteria provided, single submitter. Criteria: ICSL Variant Classification Criteria 13 December 2019. Collection method: clinical testing. Allele origin: germline.

NM_144997.7(FLCN):c.250-7T>C

Gene: FLCN (folliculin; minus strand). Cytogenetic location: 17p11.2.
Variant type: single nucleotide variant.
Coding change: c.250-7T>C on transcript NM_144997.7 (MANE Select); 7 bases into the intron before coding-DNA position 250, T replaced by C.
Molecular consequence: intron variant.
Genome position (GRCh38, 1-based): chr17:17,226,329, A>G on the plus strand (T>C on the coding strand, the complement: FLCN is on the minus strand). VCF-style: chr17-17226329-A-G. GRCh37 (hg19) VCF-style: chr17-17129643-A-G.
Other names: c.250-7T>C (LRG_325t1, NM_001353231.2, NM_001353230.2 and 2 more transcripts).
Identifiers: ClinVar variation 322069 (VCV000322069.16), dbSNP rs748857550, ClinGen allele CA8416465.